The following is an entry in ClinVar:

ClinVar aggregate classification (germline): Uncertain significance. Review status: criteria provided, multiple submitters, no conflicts (2 of 4 stars). 2 submissions from 2 submitters: Uncertain significance (2). Last evaluated 2026-03-21.

Submissions (2):

GeneDx
Classification: Uncertain significance. Last evaluated: 2026-03-21. Review status: criteria provided, single submitter. Criteria: GeneDx Variant Classification Process June 2021. Collection method: clinical testing. Allele origin: germline.
Comment: In silico analysis suggests that this missense variant does not alter protein structure/function; Has not been previously published as pathogenic or benign to our knowledge

Blueprint Genetics
Classification: Uncertain significance. Last evaluated: 2021-07-06. Review status: criteria provided, single submitter. Criteria: ACMG Guidelines, 2015. Collection method: clinical testing. Allele origin: germline.

NM_000506.5(F2):c.592C>T (p.Arg198Cys)

Gene: F2 (coagulation factor II, thrombin; plus strand). Cytogenetic location: 11p11.2.
Variant type: single nucleotide variant.
Coding change: c.592C>T on transcript NM_000506.5 (MANE Select); coding-DNA position 592, C replaced by T.
Protein change: p.Arg198Cys; replaces arginine 198 with cysteine.
Molecular consequence: missense variant.
Genome position (GRCh38, 1-based): chr11:46,725,891, C>T. VCF-style: chr11-46725891-C-T. GRCh37 (hg19) VCF-style: chr11-46747441-C-T.
Other names: c.592C>T (NM_000506.3); short protein forms R198C.
Identifiers: ClinVar variation 4911434 (VCV004911434.2).